The following is an entry in ClinVar:

ClinVar aggregate classification (germline): Uncertain significance (1 of 4 stars; one submission).

Submission:

GeneDx
Classification: Uncertain significance. Last evaluated: 2021-03-18. Review status: criteria provided, single submitter. Criteria: GeneDx Variant Classification Process June 2021. Collection method: clinical testing. Allele origin: germline. Affected: yes.
Comment: Not observed in large population cohorts (Lek et al., 2016); Nonsense variant predicted to result in protein truncation as the last 161 amino acids are lost, although loss-of-function variants have not been reported downstream of this position in the protein; Has not been previously published as pathogenic or benign to our knowledge

NM_003468.4(FZD5):c.1274C>A (p.Ser425Ter)

Gene: FZD5 (frizzled class receptor 5; minus strand). Cytogenetic location: 2q33.3.
Variant type: single nucleotide variant.
Coding change: c.1274C>A on transcript NM_003468.4 (MANE Select); coding-DNA position 1274, C replaced by A.
Protein change: p.Ser425Ter; replaces serine 425 with a stop codon.
Molecular consequence: nonsense.
Genome position (GRCh38, 1-based): chr2:207,767,466, G>T on the plus strand (C>A on the coding strand, the complement: FZD5 is on the minus strand). VCF-style: chr2-207767466-G-T. GRCh37 (hg19) VCF-style: chr2-208632190-G-T.
Other names: short protein forms S425*.
Identifiers: ClinVar variation 1303427 (VCV001303427.2), dbSNP rs2105851356, ClinGen allele CA350084991.